The following is an entry in ClinVar:

ClinVar aggregate classification (germline): Likely benign (1 of 4 stars; one submission).

gnomAD v4.1: 5 of 1,611,748 alleles (0.00031%); highest among the groups gnomAD compares: South Asian, 0.0011%; no homozygotes.

Submission:

CeGaT Center for Human Genetics Tuebingen
Classification: Likely benign. Last evaluated: 2025-05-01. Review status: criteria provided, single submitter. Criteria: CeGaT Center For Human Genetics Tuebingen Variant Classification Criteria Version 2. Collection method: clinical testing. Allele origin: germline. Affected: yes. Observed: 1 variant allele.
Comment: BCL11A: BP4, BP7

NM_022893.4(BCL11A):c.1350C>T (p.Pro450=)

Gene: BCL11A (BCL11 transcription factor A; minus strand). Cytogenetic location: 2p16.1.
Variant type: single nucleotide variant.
Coding change: c.1350C>T on transcript NM_022893.4 (MANE Select); coding-DNA position 1350, C replaced by T.
Protein change: p.Pro450=; no amino-acid change (proline 450 retained).
Molecular consequence: synonymous variant. On other transcripts: intron variant (6).
Genome position (GRCh38, 1-based): chr2:60,461,562, G>A on the plus strand (C>T on the coding strand, the complement: BCL11A is on the minus strand). VCF-style: chr2-60461562-G-A. GRCh37 (hg19) VCF-style: chr2-60688697-G-A.
Other names: c.1248C>T, p.Pro416= (NM_001363864.1, NM_001365609.1, NM_001405711.1 and 2 more transcripts); c.1350C>T, p.Pro450= (NM_001405708.1, NM_001405709.1, NM_001405710.1 and 1 more transcripts); c.1194C>T, p.Pro398= (NM_001405713.1, NM_001405714.1, NM_001405715.1 and 3 more transcripts); c.1092C>T, p.Pro364= (NM_001405717.1, NM_001405718.1, NM_001405724.1); c.1017C>T, p.Pro339= (NM_001405720.1, NM_001405721.1); c.894C>T, p.Pro298= (NM_001405725.1, NM_001405726.1, NM_001405727.1 and 1 more transcripts); c.657C>T, p.Pro219= (NM_001405729.1); c.813C>T, p.Pro271= (NM_001405730.1); and 5 more.
Identifiers: ClinVar variation 3905011 (VCV003905011.10).
Genomic context (GRCh38, chr2:60,461,562, plus strand): 5'-GAACTTGGCCACCACGGACTTGAGCGCGCTGCTGGCGCTGCCCACCAAGTCGCTGGTGCC[G>A]GGTTCCGGGGAGCTGGCGGTGGAGAGACCGTCGTCGGACTTGACCGTCATGGGGGACGAT-3'
Protein context (NP_075044.2, residues 440-460): DGLSTASSPE[Pro450=]GTSDLVGSAS